The following is an entry in ClinVar:

ClinVar aggregate classification (germline): Conflicting classifications of pathogenicity. Review status: criteria provided, conflicting classifications (1 of 4 stars). 2 submissions from 2 submitters: Uncertain significance (1); Likely benign (1). Last evaluated 2025-10-01.

Allele frequency attached by ClinVar (database versions not stated): ExAC 0.00010; 1000 Genomes Project 30x 0.00016; 1000 Genomes Project 0.00020; ESP Exome Variant Server 0.00022; gnomAD 0.00030; TOPMed 0.00030.
gnomAD v4.1: 615 of 1,551,688 alleles (0.04%); highest among the groups gnomAD compares: Non-Finnish European, 0.051%; no homozygotes.

Submissions (2):

CeGaT Center for Human Genetics Tuebingen
Classification: Likely benign. Last evaluated: 2025-10-01. Review status: criteria provided, single submitter. Criteria: CeGaT Center For Human Genetics Tuebingen Variant Classification Criteria Version 2. Collection method: clinical testing. Allele origin: germline. Affected: yes. Observed: 2 variant alleles.
Comment: COL6A5: BP4

Ambry Genetics
Classification: Uncertain significance. Last evaluated: 2021-08-02. Review status: criteria provided, single submitter. Criteria: Ambry Variant Classification Scheme 2023. Collection method: clinical testing. Allele origin: germline.

NM_001278298.2(COL6A5):c.2592C>G (p.Ile864Met)

Gene: COL6A5 (collagen type VI alpha 5 chain; plus strand). Cytogenetic location: 3q22.1.
Variant type: single nucleotide variant.
Coding change: c.2592C>G on transcript NM_001278298.2 (MANE Select); coding-DNA position 2592, C replaced by G.
Protein change: p.Ile864Met; replaces isoleucine 864 with methionine.
Molecular consequence: missense variant. On other transcripts: non-coding transcript variant (1).
Genome position (GRCh38, 1-based): chr3:130,391,354, C>G. VCF-style: chr3-130391354-C-G. GRCh37 (hg19) VCF-style: chr3-130110197-C-G.
Other names: c.2592C>G, p.Ile864Met (NM_001412157.1, NM_153264.7); short protein forms I864M.
Identifiers: ClinVar variation 2353718 (VCV002353718.20), dbSNP rs374746006, ClinGen allele CA2610921.